The following is an entry in ClinVar:

NM_198252.3(GSN):c.1690A>G (p.Lys564Glu)

Gene: GSN (gelsolin; plus strand). Cytogenetic location: 9q33.2.
Variant type: single nucleotide variant.
Coding change: c.1690A>G on transcript NM_198252.3 (MANE Select); coding-DNA position 1690, A replaced by G.
Protein change: p.Lys564Glu; replaces lysine 564 with glutamic acid.
Molecular consequence: missense variant.
Genome position (GRCh38, 1-based): chr9:121,327,410, A>G. VCF-style: chr9-121327410-A-G. GRCh37 (hg19) VCF-style: chr9-124089688-A-G.
Other names: c.1843A>G, p.Lys615Glu (NM_000177.5); c.1690A>G, p.Lys564Glu (NM_001127662.2, NM_001127664.2, NM_001127665.2 and 10 more transcripts); c.1798A>G, p.Lys600Glu (NM_001127663.2); c.1723A>G, p.Lys575Glu (NM_001127666.2, NM_001127667.2, NM_001353067.2 and 13 more transcripts); c.1741A>G, p.Lys581Glu (NM_001258029.2); c.1714A>G, p.Lys572Glu (NM_001258030.2); c.1762A>G, p.Lys588Glu (NM_001353076.2); c.1036A>G, p.Lys346Glu (NM_001353078.2); and 1 more; short protein forms K572E, K581E, K615E, K564E, K588E, K346E, K575E, K600E.
Identifiers: ClinVar variation 1478196 (VCV001478196.15), dbSNP rs368207411, ClinGen allele CA5221382.
Genomic context (GRCh38, chr9:121,327,410, plus strand): 5'-GTTCTGAAAACCCCCTCAGCCGCCTACCTGTGGGTGGGTACAGGAGCCAGCGAGGCAGAG[A>G]AGACGGGGGCCCAGGAGCTGCTCAGGGTGCTGCGGGCCCAACCTGTGCAGGTGGCAGAAG-3'
Protein context (NP_937895.1, residues 554-574): WVGTGASEAE[Lys564Glu]TGAQELLRVL

ClinVar aggregate classification (germline): Conflicting classifications of pathogenicity. Review status: criteria provided, conflicting classifications (1 of 4 stars). 4 submissions from 4 submitters: Uncertain significance (3); Likely benign (1). Last evaluated 2026-08-28.

Conditions:
GSN-related disorder. Also called: GSN-related condition.
Finnish type amyloidosis. Also called: AMYLOIDOSIS, HEREDITARY SYSTEMIC 4, FINNISH TYPE; AMYLOID CRANIAL NEUROPATHY WITH LATTICE CORNEAL DYSTROPHY; AMYLOIDOSIS DUE TO MUTANT GELSOLIN; Lattice corneal dystrophy associated with familial systemic amyloidosis; Meretoja's syndrome; Lattice dystrophy of the cornea with hereditary generalized amyloidosis. Identifiers: Orphanet 85448, MedGen C1622345, MONDO:0007097, OMIM 105120.

Allele frequency attached by ClinVar (database versions not stated): ExAC 0.00001; gnomAD 0.00001 and 0.00003; gnomAD exomes 0.00001 and 0.00003; TOPMed 0.00003; ESP Exome Variant Server 0.00008.
gnomAD v4.1: 45 of 1,612,130 alleles (0.0028%); highest among the groups gnomAD compares: Middle Eastern, 0.29%; 1 homozygote.

Submissions (4):

PreventionGenetics, part of Exact Sciences
Classification: Uncertain significance for GSN-related condition. Last evaluated: 2026-08-28. Review status: criteria provided, single submitter. Criteria: ACMG Guidelines, 2015. Collection method: clinical testing. Allele origin: germline.
Comment: The GSN c.1843A>G variant is predicted to result in the amino acid substitution p.Lys615Glu. To our knowledge, this variant has not been reported in the literature. This variant is reported in 0.0018% of alleles in individuals of European (Non-Finnish) descent in gnomAD. At this time, the clinical significance of this variant is uncertain due to the absence of conclusive functional and genetic evidence.

CeGaT Center for Human Genetics Tuebingen
Classification: Likely benign. Last evaluated: 2026-03-01. Review status: criteria provided, single submitter. Criteria: CeGaT Center For Human Genetics Tuebingen Variant Classification Criteria Version 2. Collection method: clinical testing. Allele origin: germline. Affected: yes. Observed: 1 variant allele.
Comment: GSN: BP4

Labcorp Genetics (formerly Invitae), Labcorp
Classification: Uncertain significance. Last evaluated: 2025-05-06. Review status: criteria provided, single submitter. Criteria: Invitae Variant Classification Sherloc (09022015). Collection method: clinical testing. Allele origin: germline.
Comment: This sequence change replaces lysine, which is basic and polar, with glutamic acid, which is acidic and polar, at codon 615 of the GSN protein (p.Lys615Glu). This variant is present in population databases (rs368207411, gnomAD 0.0009%). This variant has not been reported in the literature in individuals affected with GSN-related conditions. ClinVar contains an entry for this variant (Variation ID: 1478196). Invitae Evidence Modeling of protein sequence and biophysical properties (such as structural, functional, and spatial information, amino acid conservation, physicochemical variation, residue mobility, and thermodynamic stability) indicates that this missense variant is not expected to disrupt GSN protein function with a negative predictive value of 80%. In summary, the available evidence is currently insufficient to determine the role of this variant in disease. Therefore, it has been classified as a Variant of Uncertain Significance.

Fulgent Genetics
Classification: Uncertain significance for Finnish type amyloidosis. Last evaluated: 2024-01-09. Review status: criteria provided, single submitter. Criteria: ACMG Guidelines, 2015. Collection method: clinical testing. Allele origin: germline.